The following is an entry in ClinVar:

ClinVar aggregate classification (germline): Uncertain significance (1 of 4 stars; one submission).

Allele frequency attached by ClinVar (database versions not stated): ExAC 0.00001.

Submission:

Labcorp Genetics (formerly Invitae), Labcorp
Classification: Uncertain significance. Last evaluated: 2022-07-19. Review status: criteria provided, single submitter. Criteria: Invitae Variant Classification Sherloc (09022015). Collection method: clinical testing. Allele origin: germline.
Comment: This sequence change replaces cysteine, which is neutral and slightly polar, with tyrosine, which is neutral and polar, at codon 550 of the ORC1 protein (p.Cys550Tyr). This variant is not present in population databases (gnomAD no frequency). In summary, the available evidence is currently insufficient to determine the role of this variant in disease. Therefore, it has been classified as a Variant of Uncertain Significance. Algorithms developed to predict the effect of missense changes on protein structure and function (SIFT, PolyPhen-2, Align-GVGD) all suggest that this variant is likely to be tolerated. ClinVar contains an entry for this variant (Variation ID: 1395421). This variant has not been reported in the literature in individuals affected with ORC1-related conditions.

NM_004153.4(ORC1):c.1649G>A (p.Cys550Tyr)

Gene: ORC1 (origin recognition complex subunit 1; minus strand). Cytogenetic location: 1p32.3.
Variant type: single nucleotide variant.
Coding change: c.1649G>A on transcript NM_004153.4 (MANE Select); coding-DNA position 1649, G replaced by A.
Protein change: p.Cys550Tyr; replaces cysteine 550 with tyrosine.
Molecular consequence: missense variant.
Genome position (GRCh38, 1-based): chr1:52,384,656, C>T on the plus strand (G>A on the coding strand, the complement: ORC1 is on the minus strand). VCF-style: chr1-52384656-C-T. GRCh37 (hg19) VCF-style: chr1-52850328-C-T.
Other names: c.1649G>A, p.Cys550Tyr (NM_001190818.2); c.1634G>A, p.Cys545Tyr (NM_001190819.2); short protein forms C550Y, C545Y.
Identifiers: ClinVar variation 1395421 (VCV001395421.8), dbSNP rs749242682, ClinGen allele CA853249.